The following is an entry in ClinVar:

NM_024426.6(WT1):c.1196C>T (p.Ala399Val)

Gene: WT1 (WT1 transcription factor; minus strand). Cytogenetic location: 11p13.
Variant type: single nucleotide variant.
Coding change: c.1196C>T on transcript NM_024426.6 (MANE Select); coding-DNA position 1196, C replaced by T.
Protein change: p.Ala399Val; replaces alanine 399 with valine.
Molecular consequence: missense variant. On other transcripts: non-coding transcript variant (1).
Genome position (GRCh38, 1-based): chr11:32,396,325, G>A on the plus strand (C>T on the coding strand, the complement: WT1 is on the minus strand). VCF-style: chr11-32396325-G-A. GRCh37 (hg19) VCF-style: chr11-32417871-G-A.
Other names: c.1145C>T, p.Ala382Val (NM_000378.6, NM_001407045.1, NM_001407048.1 and 1 more transcripts); c.545C>T, p.Ala182Val (NM_001198551.2); c.494C>T, p.Ala165Val (NM_001198552.2); c.8C>T, p.Ala3Val (NM_001367854.1); c.1190C>T, p.Ala397Val (NM_001407044.1); c.1196C>T, p.Ala399Val (NM_001407046.1, NM_024424.5); c.1073C>T, p.Ala358Val (NM_001407047.1); c.1022C>T, p.Ala341Val (NM_001407050.1); and 2 more; short protein forms A165V, A182V, A3V, A382V, A399V, A341V, A358V, A145V.
Identifiers: ClinVar variation 642474 (VCV000642474.10), dbSNP rs1590338798, ClinGen allele CA379959917.

ClinVar aggregate classification (germline): Uncertain significance (1 of 4 stars; one submission).

Conditions:
Drash syndrome (DDS). Also called: WILMS TUMOR AND PSEUDO- OR TRUE HERMAPHRODITISM; NEPHROPATHY, WILMS TUMOR, AND GENITAL ANOMALIES. Identifiers: Orphanet 220, MedGen C0950121, MONDO:0008682, OMIM 194080.
Frasier syndrome. Identifiers: Orphanet 347, MedGen C0950122, MeSH D052159, MONDO:0007635, OMIM 136680.
Wilms tumor 1 (WT1). Also called: Wilms tumor, somatic. Identifiers: Orphanet 654, MedGen CN033288, MONDO:0008679, OMIM 194070.
11p partial monosomy syndrome (WAGR). Also called: CHROMOSOME 11p13 DELETION SYNDROME; WAGR Complex; WAGR syndrome; WAGR Spectrum Disorder. Identifiers: Orphanet 893, MedGen C0206115, MONDO:0008681, OMIM 194072.

Allele frequency attached by ClinVar (database versions not stated): gnomAD exomes below 0.00001.
gnomAD v4.1: 1 of 1,614,164 alleles (0.000062%); highest among the groups gnomAD compares: Non-Finnish European, 0.000085%; no homozygotes.

Submission:

Labcorp Genetics (formerly Invitae), Labcorp
Classification: Uncertain significance for Wilms tumor 1; Drash syndrome; 11p partial monosomy syndrome; Frasier syndrome. Last evaluated: 2024-09-27. Review status: criteria provided, single submitter. Criteria: Invitae Variant Classification Sherloc (09022015). Collection method: clinical testing. Allele origin: germline.
Comment: This sequence change replaces alanine, which is neutral and non-polar, with valine, which is neutral and non-polar, at codon 394 of the WT1 protein (p.Ala394Val). This variant is not present in population databases (gnomAD no frequency). This variant has not been reported in the literature in individuals affected with WT1-related conditions. ClinVar contains an entry for this variant (Variation ID: 642474). An algorithm developed to predict the effect of missense changes on protein structure and function (PolyPhen-2) suggests that this variant is likely to be tolerated. In summary, the available evidence is currently insufficient to determine the role of this variant in disease. Therefore, it has been classified as a Variant of Uncertain Significance.